The following is an entry in ClinVar:

ClinVar aggregate classification (germline): Uncertain significance. Review status: criteria provided, multiple submitters, no conflicts (2 of 4 stars). 2 submissions from 2 submitters: Uncertain significance (2). Last evaluated 2025-05-18.

Conditions:
Autosomal dominant polycystic kidney disease. Identifiers: Orphanet 730, MedGen C0085413, MONDO:0004691.
Inborn genetic diseases. Identifiers: MedGen C0950123, MeSH D030342.

gnomAD v4.1: 2 of 1,487,460 alleles (0.00013%); highest among the groups gnomAD compares: South Asian, 0.0013%; no homozygotes.

Submissions (2):

Labcorp Genetics (formerly Invitae), Labcorp
Classification: Uncertain significance for Autosomal dominant polycystic kidney disease. Last evaluated: 2025-05-18. Review status: criteria provided, single submitter. Criteria: Invitae Variant Classification Sherloc (09022015). Collection method: clinical testing. Allele origin: germline.
Comment: This sequence change replaces serine, which is neutral and polar, with proline, which is neutral and non-polar, at codon 76 of the PKD2 protein (p.Ser76Pro). The frequency data for this variant in the population databases is considered unreliable, as metrics indicate poor data quality at this position in the gnomAD database. This variant has not been reported in the literature in individuals affected with PKD2-related conditions. ClinVar contains an entry for this variant (Variation ID: 3306940). An algorithm developed to predict the effect of missense changes on protein structure and function (PolyPhen-2) suggests that this variant is likely to be disruptive. In summary, the available evidence is currently insufficient to determine the role of this variant in disease. Therefore, it has been classified as a Variant of Uncertain Significance.

Ambry Genetics
Classification: Uncertain significance for Inborn genetic diseases. Last evaluated: 2024-03-21. Review status: criteria provided, single submitter. Criteria: Ambry Variant Classification Scheme 2023. Collection method: clinical testing. Allele origin: germline.

NM_000297.4(PKD2):c.226T>C (p.Ser76Pro)

Genes: PKD2 (polycystin 2, transient receptor potential cation channel; plus strand), LOC129992813 (ATAC-STARR-seq lymphoblastoid silent region 15559; plus strand). Cytogenetic location: 4q22.1.
Variant type: single nucleotide variant.
Coding change: c.226T>C on transcript NM_000297.4 (MANE Select); coding-DNA position 226, T replaced by C.
Protein change: p.Ser76Pro; replaces serine 76 with proline.
Molecular consequence: missense variant. On other transcripts: non-coding transcript variant (1).
Genome position (GRCh38, 1-based): chr4:88,007,959, T>C. VCF-style: chr4-88007959-T-C. GRCh37 (hg19) VCF-style: chr4-88929111-T-C.
Other names: short protein forms S76P.
Identifiers: ClinVar variation 3306940 (VCV003306940.2).